The following is an entry in ClinVar:

NM_017612.5(ZCCHC8):c.508G>A (p.Gly170Arg)

Gene: ZCCHC8 (zinc finger CCHC-type containing 8; minus strand). Cytogenetic location: 12q24.31.
Variant type: single nucleotide variant.
Coding change: c.508G>A on transcript NM_017612.5 (MANE Select); coding-DNA position 508, G replaced by A.
Protein change: p.Gly170Arg; replaces glycine 170 with arginine.
Molecular consequence: missense variant. On other transcripts: intron variant (3).
Genome position (GRCh38, 1-based): chr12:122,483,557, C>T on the plus strand (G>A on the coding strand, the complement: ZCCHC8 is on the minus strand). VCF-style: chr12-122483557-C-T. GRCh37 (hg19) VCF-style: chr12-122968104-C-T.
Other names: c.211G>A, p.Gly71Arg (NM_001350936.2); c.-43-862G>A (NM_001350938.2, NM_001350937.2); c.502-1470G>A (NM_001350935.2); short protein forms G170R, G71R.
Identifiers: ClinVar variation 1029475 (VCV001029475.4), dbSNP rs1957578325, ClinGen allele CA482208790.
Genomic context (GRCh38, chr12:122,483,557, plus strand): 5'-CATTTAGAAGCGGTTGCCCCAATTTATCAAGGCAAAAATTAGTAAAATACAGGACACTTC[C>T]TACAACCTGCAGAAAACAAGTCAAAAAATATTGCTATTTAAGCAGAAAAAAAGACATTAA-3'
Protein context (NP_060082.2, residues 160-180): KNNKEAFSVV[Gly170Arg]SVLYFTNFCL

ClinVar aggregate classification (germline): Conflicting classifications of pathogenicity. Review status: criteria provided, conflicting classifications (1 of 4 stars). 2 submissions from 2 submitters: Likely pathogenic (1); Uncertain significance (1). Last evaluated 2020-05-27.

Conditions:
Pulmonary fibrosis and/or bone marrow failure, telomere-related, 5. Identifiers: MedGen C5231457, MONDO:0032865, OMIM 618674.
Dyskeratosis congenita. Identifiers: Orphanet 1775, MedGen C0265965, MONDO:0015780.

Submissions (2):

Baylor Genetics
Classification: Uncertain significance for Pulmonary fibrosis and/or bone marrow failure, telomere-related, 5. Last evaluated: 2020-05-27. Review status: criteria provided, single submitter. Criteria: ACMG Guidelines, 2015. Collection method: clinical testing. Allele origin: unknown. Affected: yes.
Comment: This variant was determined to be of uncertain significance according to ACMG Guidelines, 2015 [PMID:25741868].

Bone Marrow Failure laboratory, Queen Mary University London
Classification: Likely pathogenic for Dyskeratosis congenita. Review status: criteria provided, single submitter. Criteria: ACMG Guidelines, 2015. Collection method: research. Allele origin: germline. Affected: yes. Observed: 2 variant alleles, 1 heterozygote, 1 compound heterozygote.